The following is an entry in ClinVar:

ClinVar aggregate classification (germline): Uncertain significance. Review status: criteria provided, multiple submitters, no conflicts (2 of 4 stars). 3 submissions from 3 submitters: Uncertain significance (2). 1 of the submissions does not count toward it. Last evaluated 2021-08-31.

Conditions:
3-methylcrotonyl-CoA carboxylase 2 deficiency. Also called: METHYLCROTONYLGLYCINURIA, TYPE II; 3 alpha methylcrotonyl-CoA carboxylase 2 deficiency; 3 alpha methylcrotonylglycinuria 2; MCC 2 deficiency; Methylcrotonylglycinuria type 2. Identifiers: Orphanet 6, MedGen C1859499, MONDO:0008862, OMIM 210210.

Allele frequency attached by ClinVar (database versions not stated): TOPMed below 0.00001; gnomAD exomes 0.00004; ExAC 0.00005.
gnomAD v4.1: 39 of 1,614,100 alleles (0.0024%); highest among the groups gnomAD compares: South Asian, 0.034%; no homozygotes.

Submissions (3):

Labcorp Genetics (formerly Invitae), Labcorp
Classification: Uncertain significance for 3-methylcrotonyl-CoA carboxylase 2 deficiency. Last evaluated: 2021-08-31. Review status: criteria provided, single submitter. Criteria: Invitae Variant Classification Sherloc (09022015). Collection method: clinical testing. Allele origin: germline.
Comment: This sequence change replaces isoleucine with valine at codon 119 of the MCCC2 protein (p.Ile119Val). The isoleucine residue is highly conserved and there is a small physicochemical difference between isoleucine and valine. This variant is present in population databases (rs770437473, ExAC 0.04%). This variant has not been reported in the literature in individuals affected with MCCC2-related conditions. Algorithms developed to predict the effect of missense changes on protein structure and function output the following: SIFT: "Deleterious"; PolyPhen-2: "Benign"; Align-GVGD: "Class C0". The valine amino acid residue is found in multiple mammalian species, which suggests that this missense change does not adversely affect protein function. In summary, the available evidence is currently insufficient to determine the role of this variant in disease. Therefore, it has been classified as a Variant of Uncertain Significance.

Illumina Laboratory Services, Illumina
Classification: Uncertain significance for 3-methylcrotonyl-CoA carboxylase 2 deficiency. Last evaluated: 2018-01-13. Review status: criteria provided, single submitter. Criteria: ICSL Variant Classification Criteria 13 December 2019. Collection method: clinical testing. Allele origin: germline.

Natera, Inc.
Classification: Uncertain significance for 3-methylcrotonyl-CoA carboxylase 2 deficiency. Last evaluated: 2021-06-01. Review status: no assertion criteria provided. Collection method: clinical testing. Allele origin: germline. Not counted in ClinVar's aggregate classification.

NM_022132.5(MCCC2):c.355A>G (p.Ile119Val)

Gene: MCCC2 (methylcrotonyl-CoA carboxylase subunit 2; plus strand). Cytogenetic location: 5q13.2.
Variant type: single nucleotide variant.
Coding change: c.355A>G on transcript NM_022132.5 (MANE Select); coding-DNA position 355, A replaced by G.
Protein change: p.Ile119Val; replaces isoleucine 119 with valine.
Molecular consequence: missense variant.
Genome position (GRCh38, 1-based): chr5:71,599,732, A>G. VCF-style: chr5-71599732-A-G. GRCh37 (hg19) VCF-style: chr5-70895559-A-G.
Other names: c.355A>G, p.Ile119Val (NM_001363147.1); short protein forms I119V.
Identifiers: ClinVar variation 858709 (VCV000858709.13), dbSNP rs770437473, ClinGen allele CA3297745.